The following is an entry in ClinVar:

NM_000377.3(WAS):c.1218C>T (p.Ser406=)

Gene: WAS (WASP actin nucleation promoting factor; plus strand). Cytogenetic location: Xp11.23.
Variant type: single nucleotide variant.
Coding change: c.1218C>T on transcript NM_000377.3 (MANE Select); coding-DNA position 1218, C replaced by T.
Protein change: p.Ser406=; no amino-acid change (serine 406 retained).
Molecular consequence: synonymous variant.
Genome position (GRCh38, 1-based): chrX:48,688,946, C>T. VCF-style: chrX-48688946-C-T. GRCh37 (hg19) VCF-style: chrX-48547335-C-T.
Other names: c.1218C>T (NM_000377.2).
Identifiers: ClinVar variation 1089705 (VCV001089705.12), dbSNP rs370053372, ClinGen allele CA10404053.

ClinVar aggregate classification (germline): Likely benign. Review status: criteria provided, multiple submitters, no conflicts (2 of 4 stars). 3 submissions from 3 submitters: Likely benign (2). 1 of the submissions does not count toward it. Last evaluated 2025-10-19.

Conditions:
WAS-related disorder. Also called: WAS-Related Disorders; WAS-related condition. Identifiers: MedGen CN381538.
Thrombocytopenia 1. Also called: X-Linked Thrombocytopenia (XLT); THROMBOCYTOPENIA, X-LINKED, 1; X-linked thrombocytopenia with normal platelets. Identifiers: Orphanet 268322, Orphanet 852, MedGen C1839163, MONDO:0010743, OMIM 313900.
X-linked severe congenital neutropenia (SCNX). Identifiers: Orphanet 86788, MedGen C1845987, MONDO:0010294, OMIM 300299.
Wiskott-Aldrich syndrome (WAS). Also called: ALDRICH SYNDROME; IMMUNODEFICIENCY 2; WISKOTT-ALDRICH SYNDROME 1; Wiskott-aldrich syndrome, somatic. Identifiers: Orphanet 906, MedGen C0043194, MONDO:0010518, OMIM 301000.

Allele frequency attached by ClinVar (database versions not stated): gnomAD 0.00001 and 0.00002; TOPMed 0.00001; gnomAD exomes 0.00003.
gnomAD v4.1: 17 of 1,166,079 alleles (0.0015%); highest among the groups gnomAD compares: South Asian, 0.0019%; no homozygotes.

Submissions (3):

Labcorp Genetics (formerly Invitae), Labcorp
Classification: Likely benign for Wiskott-Aldrich syndrome; X-linked severe congenital neutropenia; Thrombocytopenia 1. Last evaluated: 2025-10-19. Review status: criteria provided, single submitter. Criteria: Invitae Variant Classification Sherloc (09022015). Collection method: clinical testing. Allele origin: germline.

Blueprint Genetics
Classification: Likely benign. Last evaluated: 2024-04-08. Review status: criteria provided, single submitter. Criteria: ACMG Guidelines, 2015. Collection method: clinical testing. Allele origin: germline.

PreventionGenetics, part of Exact Sciences
Classification: Likely benign for WAS-related condition. Last evaluated: 2019-09-09. Review status: no assertion criteria provided. Collection method: clinical testing. Allele origin: germline. Not counted in ClinVar's aggregate classification.
Comment: This variant is classified as likely benign based on ACMG/AMP sequence variant interpretation guidelines (Richards et al. 2015 PMID: 25741868, with internal and published modifications).